The following is an entry in ClinVar:

ClinVar aggregate classification (germline): Uncertain significance. Review status: criteria provided, multiple submitters, no conflicts (2 of 4 stars). 2 submissions from 2 submitters: Uncertain significance (2). Last evaluated 2025-03-20.

Conditions:
Dilated cardiomyopathy 1DD (CMD1DD). Identifiers: Orphanet 154, MedGen C2750995, MONDO:0013168, OMIM 613172.
Cardiovascular phenotype. Identifiers: MedGen CN230736.

Allele frequency attached by ClinVar (database versions not stated): TOPMed below 0.00001; gnomAD 0.00001.
gnomAD v4.1: 4 of 1,551,624 alleles (0.00026%); highest among the groups gnomAD compares: Non-Finnish European, 0.00035%; no homozygotes.

Submissions (2):

Labcorp Genetics (formerly Invitae), Labcorp
Classification: Uncertain significance for Dilated cardiomyopathy 1DD. Last evaluated: 2025-03-20. Review status: criteria provided, single submitter. Criteria: Invitae Variant Classification Sherloc (09022015). Collection method: clinical testing. Allele origin: germline.
Comment: This sequence change replaces histidine, which is basic and polar, with glutamine, which is neutral and polar, at codon 101 of the RBM20 protein (p.His101Gln). This variant is not present in population databases (gnomAD no frequency). This variant has not been reported in the literature in individuals affected with RBM20-related conditions. ClinVar contains an entry for this variant (Variation ID: 1054821). Invitae Evidence Modeling of protein sequence and biophysical properties (such as structural, functional, and spatial information, amino acid conservation, physicochemical variation, residue mobility, and thermodynamic stability) indicates that this missense variant is not expected to disrupt RBM20 protein function with a negative predictive value of 95%. In summary, the available evidence is currently insufficient to determine the role of this variant in disease. Therefore, it has been classified as a Variant of Uncertain Significance.

Ambry Genetics
Classification: Uncertain significance for Cardiovascular phenotype. Last evaluated: 2022-08-20. Review status: criteria provided, single submitter. Criteria: Ambry Variant Classification Scheme 2023. Collection method: clinical testing. Allele origin: germline.
Comment: The p.H101Q variant (also known as c.303C>A), located in coding exon 2 of the RBM20 gene, results from a C to A substitution at nucleotide position 303. The histidine at codon 101 is replaced by glutamine, an amino acid with highly similar properties. This amino acid position is conserved. In addition, the in silico prediction for this alteration is inconclusive. Since supporting evidence is limited at this time, the clinical significance of this alteration remains unclear.

NM_001134363.3(RBM20):c.303C>A (p.His101Gln)

Gene: RBM20 (RNA binding motif protein 20; plus strand). Cytogenetic location: 10q25.2.
Variant type: single nucleotide variant.
Coding change: c.303C>A on transcript NM_001134363.3 (MANE Select); coding-DNA position 303, C replaced by A.
Protein change: p.His101Gln; replaces histidine 101 with glutamine.
Molecular consequence: missense variant.
Genome position (GRCh38, 1-based): chr10:110,780,912, C>A. VCF-style: chr10-110780912-C-A. GRCh37 (hg19) VCF-style: chr10-112540670-C-A.
Other names: short protein forms H101Q.
Identifiers: ClinVar variation 1054821 (VCV001054821.12), dbSNP rs1172371194, ClinGen allele CA378379468.